The following is an entry in ClinVar:

ClinVar aggregate classification (germline): Uncertain significance (1 of 4 stars; one submission).

Conditions:
Hereditary cancer-predisposing syndrome. Also called: Hereditary Cancer Syndrome; Tumor predisposition; Hereditary neoplastic syndrome; Neoplastic Syndromes, Hereditary. Identifiers: Orphanet 140162, MedGen C0027672, MeSH D009386, MONDO:0015356.

gnomAD v4.1: 1 of 1,611,212 alleles (0.000062%); highest among the groups gnomAD compares: Non-Finnish European, 0.000085%; no homozygotes.

Submission:

Ambry Genetics
Classification: Uncertain significance for Hereditary cancer-predisposing syndrome. Last evaluated: 2024-11-13. Review status: criteria provided, single submitter. Criteria: Ambry Variant Classification Scheme 2023. Collection method: clinical testing. Allele origin: germline.
Comment: The p.S707P variant (also known as c.2119T>C), located in coding exon 15 of the MSH3 gene, results from a T to C substitution at nucleotide position 2119. The serine at codon 707 is replaced by proline, an amino acid with similar properties. This amino acid position is not well conserved in available vertebrate species. In addition, the in silico prediction for this alteration is inconclusive. Based on the available evidence, the clinical significance of this variant remains unclear.

NM_002439.5(MSH3):c.2119T>C (p.Ser707Pro)

Gene: MSH3 (mutS homolog 3; plus strand). Cytogenetic location: 5q14.1.
Variant type: single nucleotide variant.
Coding change: c.2119T>C on transcript NM_002439.5 (MANE Select); coding-DNA position 2119, T replaced by C.
Protein change: p.Ser707Pro; replaces serine 707 with proline.
Molecular consequence: missense variant.
Genome position (GRCh38, 1-based): chr5:80,768,869, T>C. VCF-style: chr5-80768869-T-C. GRCh37 (hg19) VCF-style: chr5-80064688-T-C.
Other names: short protein forms S707P.
Identifiers: ClinVar variation 3398749 (VCV003398749.1).